The following is an entry in ClinVar:

ClinVar aggregate classification (germline): Uncertain significance. Review status: criteria provided, multiple submitters, no conflicts (2 of 4 stars). 2 submissions from 2 submitters: Uncertain significance (2). Last evaluated 2024-04-09.

Conditions:
Familial cancer of breast. Also called: BREAST CANCER, FAMILIAL; Hereditary breast cancer; hereditary breast carcinoma. Identifiers: Orphanet 227535, MedGen C0346153, MONDO:0016419, OMIM 114480. Disease mechanism: loss of function.
Hereditary cancer-predisposing syndrome. Also called: Hereditary Cancer Syndrome; Tumor predisposition; Hereditary neoplastic syndrome; Neoplastic Syndromes, Hereditary. Identifiers: Orphanet 140162, MedGen C0027672, MeSH D009386, MONDO:0015356.

gnomAD v4.1: 1 of 1,614,202 alleles (0.000062%); highest among the groups gnomAD compares: Non-Finnish European, 0.000085%; no homozygotes.

Submissions (2):

Ambry Genetics
Classification: Uncertain significance for Hereditary cancer-predisposing syndrome. Last evaluated: 2024-04-09. Review status: criteria provided, single submitter. Criteria: Ambry Variant Classification Scheme 2023. Collection method: clinical testing. Allele origin: germline.
Comment: The p.I702F variant (also known as c.2104A>T), located in coding exon 11 of the BARD1 gene, results from an A to T substitution at nucleotide position 2104. The isoleucine at codon 702 is replaced by phenylalanine, an amino acid with highly similar properties. This amino acid position is conserved. In addition, this alteration is predicted to be tolerated by in silico analysis. Based on the available evidence, the clinical significance of this variant remains unclear.

Department of Pathology and Laboratory Medicine, Sinai Health System
Classification: Uncertain significance for Familial cancer of breast. Last evaluated: 2021-02-18. Review status: criteria provided, single submitter. Criteria: ACMG Guidelines, 2015. Collection method: clinical testing. Allele origin: germline. Affected: yes.

NM_000465.4(BARD1):c.2104A>T (p.Ile702Phe)

Gene: BARD1 (BRCA1 associated RING domain 1; minus strand). Cytogenetic location: 2q35.
Variant type: single nucleotide variant.
Coding change: c.2104A>T on transcript NM_000465.4 (MANE Select); coding-DNA position 2104, A replaced by T.
Protein change: p.Ile702Phe; replaces isoleucine 702 with phenylalanine.
Molecular consequence: missense variant. On other transcripts: non-coding transcript variant (3).
Genome position (GRCh38, 1-based): chr2:214,728,906, T>A on the plus strand (A>T on the coding strand, the complement: BARD1 is on the minus strand). VCF-style: chr2-214728906-T-A. GRCh37 (hg19) VCF-style: chr2-215593630-T-A.
Other names: c.2047A>T, p.Ile683Phe (NM_001282543.2); c.751A>T, p.Ile251Phe (NM_001282545.2); c.694A>T, p.Ile232Phe (NM_001282548.2); c.565A>T, p.Ile189Phe (NM_001282549.2); c.2104A>T (NM_000465.3); short protein forms I189F, I232F, I251F, I702F, I683F.
Identifiers: ClinVar variation 3260432 (VCV003260432.2).